The following is an entry in ClinVar:

NM_004304.5(ALK):c.1594G>A (p.Ala532Thr)

Gene: ALK (ALK receptor tyrosine kinase; minus strand). Cytogenetic location: 2p23.2.
Variant type: single nucleotide variant.
Coding change: c.1594G>A on transcript NM_004304.5 (MANE Select); coding-DNA position 1594, G replaced by A.
Protein change: p.Ala532Thr; replaces alanine 532 with threonine.
Molecular consequence: missense variant.
Genome position (GRCh38, 1-based): chr2:29,318,357, C>T on the plus strand (G>A on the coding strand, the complement: ALK is on the minus strand). VCF-style: chr2-29318357-C-T. GRCh37 (hg19) VCF-style: chr2-29541223-C-T.
Other names: short protein forms A532T.
Identifiers: ClinVar variation 3525441 (VCV003525441.1).

ClinVar aggregate classification (germline): Uncertain significance (1 of 4 stars; one submission).

Conditions:
Hereditary cancer-predisposing syndrome. Also called: Hereditary Cancer Syndrome; Hereditary neoplastic syndrome; Tumor predisposition; Neoplastic Syndromes, Hereditary. Identifiers: Orphanet 140162, MedGen C0027672, MeSH D009386, MONDO:0015356.

Submission:

Ambry Genetics
Classification: Uncertain significance for Hereditary cancer-predisposing syndrome. Last evaluated: 2024-12-10. Review status: criteria provided, single submitter. Criteria: Ambry Variant Classification Scheme 2023. Collection method: clinical testing. Allele origin: germline.
Comment: The p.A532T variant (also known as c.1594G>A), located in coding exon 8 of the ALK gene, results from a G to A substitution at nucleotide position 1594. The alanine at codon 532 is replaced by threonine, an amino acid with similar properties. This amino acid position is conserved. In addition, this alteration is predicted to be tolerated by in silico analysis. Based on the available evidence, the clinical significance of this variant remains unclear.